The following is an entry in ClinVar:

NM_001044385.3(TMEM237):c.716G>C (p.Cys239Ser)

Gene: TMEM237 (transmembrane protein 237; minus strand). Cytogenetic location: 2q33.1.
Variant type: single nucleotide variant.
Coding change: c.716G>C on transcript NM_001044385.3 (MANE Select); coding-DNA position 716, G replaced by C.
Protein change: p.Cys239Ser; replaces cysteine 239 with serine.
Molecular consequence: missense variant.
Genome position (GRCh38, 1-based): chr2:201,629,383, C>G on the plus strand (G>C on the coding strand, the complement: TMEM237 is on the minus strand). VCF-style: chr2-201629383-C-G. GRCh37 (hg19) VCF-style: chr2-202494106-C-G.
Other names: c.692G>C, p.Cys231Ser (NM_152388.4); short protein forms C231S, C239S.
Identifiers: ClinVar variation 1423703 (VCV001423703.7), dbSNP rs769694232, ClinGen allele CA2056405.

ClinVar aggregate classification (germline): Uncertain significance. Review status: criteria provided, multiple submitters, no conflicts (2 of 4 stars). 2 submissions from 2 submitters: Uncertain significance (2). Last evaluated 2025-06-14.

Conditions:
Joubert syndrome 14 (JBTS14). Identifiers: MedGen C3280766, MONDO:0013745, OMIM 614424.

Allele frequency attached by ClinVar (database versions not stated): ExAC 0.00001; gnomAD exomes 0.00001.
gnomAD v4.1: 2 of 1,592,158 alleles (0.00013%); highest among the groups gnomAD compares: Admixed American, 0.0038%; no homozygotes.

Submissions (2):

Labcorp Genetics (formerly Invitae), Labcorp
Classification: Uncertain significance for Joubert syndrome 14. Last evaluated: 2025-06-14. Review status: criteria provided, single submitter. Criteria: Invitae Variant Classification Sherloc (09022015). Collection method: clinical testing. Allele origin: germline.
Comment: This sequence change replaces cysteine, which is neutral and slightly polar, with serine, which is neutral and polar, at codon 239 of the TMEM237 protein (p.Cys239Ser). This variant is present in population databases (rs769694232, gnomAD 0.01%). This variant has not been reported in the literature in individuals affected with TMEM237-related conditions. ClinVar contains an entry for this variant (Variation ID: 1423703). Invitae Evidence Modeling of protein sequence and biophysical properties (such as structural, functional, and spatial information, amino acid conservation, physicochemical variation, residue mobility, and thermodynamic stability) indicates that this missense variant is not expected to disrupt TMEM237 protein function with a negative predictive value of 80%. In summary, the available evidence is currently insufficient to determine the role of this variant in disease. Therefore, it has been classified as a Variant of Uncertain Significance.

Fulgent Genetics
Classification: Uncertain significance for Joubert syndrome 14. Last evaluated: 2024-06-20. Review status: criteria provided, single submitter. Criteria: ACMG Guidelines, 2015. Collection method: clinical testing. Allele origin: germline.